The following is an entry in ClinVar:

NM_004924.6(ACTN4):c.2640C>T (p.Ile880=)

Gene: ACTN4 (actinin alpha 4; plus strand). Cytogenetic location: 19q13.2.
Variant type: single nucleotide variant.
Coding change: c.2640C>T on transcript NM_004924.6 (MANE Select); coding-DNA position 2640, C replaced by T.
Protein change: p.Ile880=; no amino-acid change (isoleucine 880 retained).
Molecular consequence: synonymous variant.
Genome position (GRCh38, 1-based): chr19:38,729,336, C>T. VCF-style: chr19-38729336-C-T. GRCh37 (hg19) VCF-style: chr19-39219976-C-T.
Other names: c.2625C>T, p.Ile875= (NM_001322033.2); c.2640C>T, p.Ile880= (NM_001411143.1).
Identifiers: ClinVar variation 3056203 (VCV003056203.2), dbSNP rs565687082, ClinGen allele CA9418124.

ClinVar aggregate classification (germline): Likely benign (0 of 4 stars; one submission).

Conditions:
ACTN4-related disorder. Also called: ACTN4-related condition.

Allele frequency attached by ClinVar (database versions not stated): ExAC 0.00008; 1000 Genomes Project 30x 0.00016.
gnomAD v4.1: 40 of 1,612,370 alleles (0.0025%); highest among the groups gnomAD compares: South Asian, 0.025%; no homozygotes.

Submission:

PreventionGenetics, part of Exact Sciences
Classification: Likely benign for ACTN4-related condition. Last evaluated: 2021-05-21. Review status: no assertion criteria provided. Collection method: clinical testing. Allele origin: germline.
Comment: This variant is classified as likely benign based on ACMG/AMP sequence variant interpretation guidelines (Richards et al. 2015 PMID: 25741868, with internal and published modifications).